The following is an entry in ClinVar:

ClinVar aggregate classification (germline): Likely benign. Review status: criteria provided, multiple submitters, no conflicts (2 of 4 stars). 4 submissions from 4 submitters: Likely benign (4). Last evaluated 2025-08-14.

Conditions:
Paget disease of bone 2, early-onset (PDB2). Also called: Paget disease of bone 2. Identifiers: MedGen C4085251, MONDO:0011183, OMIM 602080.
Frontotemporal dementia and/or amyotrophic lateral sclerosis 1 (FTDALS1). Also called: C9orf72 Frontotemporal Dementia and/or Amyotrophic Lateral Sclerosis; Frontotemporal dementia with motor neuron disease 1. Identifiers: Orphanet 275872, MedGen C5779877, MONDO:0007105, OMIM 105550.
Inborn genetic diseases. Identifiers: MedGen C0950123, MeSH D030342.
SQSTM1-related disorder. Also called: SQSTM1-Related Disorders.

Allele frequency attached by ClinVar (database versions not stated): gnomAD exomes 0.00006; TOPMed 0.00006; ExAC 0.00008; ESP Exome Variant Server 0.00008; gnomAD 0.00010 and 0.00011; 1000 Genomes Project 30x 0.00047.
gnomAD v4.1: 167 of 1,614,144 alleles (0.01%); highest among the groups gnomAD compares: Middle Eastern, 0.066%; no homozygotes.

Submissions (4):

Labcorp Genetics (formerly Invitae), Labcorp
Classification: Likely benign for Paget disease of bone 2, early-onset; Frontotemporal dementia and/or amyotrophic lateral sclerosis 1. Last evaluated: 2025-08-14. Review status: criteria provided, single submitter. Criteria: Invitae Variant Classification Sherloc (09022015). Collection method: clinical testing. Allele origin: germline.

PreventionGenetics, part of Exact Sciences
Classification: Likely benign for SQSTM1-related condition. Last evaluated: 2025-04-10. Review status: criteria provided, single submitter. Criteria: ACMG Guidelines, 2015. Collection method: clinical testing. Allele origin: germline.
Comment: This variant is classified as likely benign based on ACMG/AMP sequence variant interpretation guidelines (Richards et al. 2015 PMID: 25741868, with internal and published modifications).

Blueprint Genetics
Classification: Likely benign. Last evaluated: 2024-06-04. Review status: criteria provided, single submitter. Criteria: ACMG Guidelines, 2015. Collection method: clinical testing. Allele origin: germline.

Ambry Genetics
Classification: Likely benign for Inborn genetic diseases. Last evaluated: 2024-03-07. Review status: criteria provided, single submitter. Criteria: Ambry Variant Classification Scheme 2023. Collection method: clinical testing. Allele origin: germline.

NM_003900.5(SQSTM1):c.1083C>T (p.Ser361=)

Gene: SQSTM1 (sequestosome 1; plus strand). Cytogenetic location: 5q35.3.
Variant type: single nucleotide variant.
Coding change: c.1083C>T on transcript NM_003900.5 (MANE Select); coding-DNA position 1083, C replaced by T.
Protein change: p.Ser361=; no amino-acid change (serine 361 retained).
Molecular consequence: synonymous variant.
Genome position (GRCh38, 1-based): chr5:179,833,700, C>T. VCF-style: chr5-179833700-C-T. GRCh37 (hg19) VCF-style: chr5-179260700-C-T.
Other names: c.831C>T, p.Ser277= (NM_001142298.2, NM_001142299.2); c.1083C>T (NM_003900.4).
Identifiers: ClinVar variation 1081495 (VCV001081495.10), dbSNP rs201591177, ClinGen allele CA3600793.